The following is an entry in ClinVar:

ClinVar aggregate classification (germline): Uncertain significance (1 of 4 stars; one submission).

Submission:

Labcorp Genetics (formerly Invitae), Labcorp
Classification: Uncertain significance. Last evaluated: 2025-03-13. Review status: criteria provided, single submitter. Criteria: Invitae Variant Classification Sherloc (09022015). Collection method: clinical testing. Allele origin: germline.
Comment: This sequence change replaces proline, which is neutral and non-polar, with arginine, which is basic and polar, at codon 1440 of the FN1 protein (p.Pro1440Arg). This variant is not present in population databases (gnomAD no frequency). This variant has not been reported in the literature in individuals affected with FN1-related conditions. An algorithm developed to predict the effect of missense changes on protein structure and function (PolyPhen-2) suggests that this variant is likely to be disruptive. In summary, the available evidence is currently insufficient to determine the role of this variant in disease. Therefore, it has been classified as a Variant of Uncertain Significance.

NM_212482.4(FN1):c.4319C>G (p.Pro1440Arg)

Gene: FN1 (fibronectin 1; minus strand). Cytogenetic location: 2q35.
Variant type: single nucleotide variant.
Coding change: c.4319C>G on transcript NM_212482.4 (MANE Select); coding-DNA position 4319, C replaced by G.
Protein change: p.Pro1440Arg; replaces proline 1440 with arginine.
Molecular consequence: missense variant.
Genome position (GRCh38, 1-based): chr2:215,388,235, G>C on the plus strand (C>G on the coding strand, the complement: FN1 is on the minus strand). VCF-style: chr2-215388235-G-C. GRCh37 (hg19) VCF-style: chr2-216252958-G-C.
Other names: c.4319C>G, p.Pro1440Arg (NM_001306129.2, NM_001306130.2, NM_001365517.2 and 3 more transcripts); c.4046C>G, p.Pro1349Arg (NM_001306131.2, NM_001306132.2, NM_001365518.2 and 7 more transcripts); short protein forms P1349R, P1440R.
Identifiers: ClinVar variation 4811957 (VCV004811957.1).